The following is an entry in ClinVar:

ClinVar aggregate classification (germline): Uncertain significance (1 of 4 stars; one submission).

Conditions:
Ataxia-telangiectasia-like disorder (ATLD). Identifiers: MedGen C1858391, MONDO:0011457.

Submission:

Labcorp Genetics (formerly Invitae), Labcorp
Classification: Uncertain significance for Ataxia-telangiectasia-like disorder. Last evaluated: 2018-10-20. Review status: criteria provided, single submitter. Criteria: Invitae Variant Classification Sherloc (09022015). Collection method: clinical testing. Allele origin: germline.
Comment: Algorithms developed to predict the effect of missense changes on protein structure and function (SIFT, PolyPhen-2, Align-GVGD) all suggest that this variant is likely to be disruptive, but these predictions have not been confirmed by published functional studies and their clinical significance is uncertain. In summary, the available evidence is currently insufficient to determine the role of this variant in disease. Therefore, it has been classified as a Variant of Uncertain Significance. This variant has not been reported in the literature in individuals with MRE11-related disease. This variant is not present in population databases (ExAC no frequency). This sequence change replaces proline with arginine at codon 361 of the MRE11 protein (p.Pro361Arg). The proline residue is highly conserved and there is a moderate physicochemical difference between proline and arginine.

NM_005591.4(MRE11):c.1082C>G (p.Pro361Arg)

Gene: MRE11 (MRE11 double strand break repair nuclease; minus strand). Cytogenetic location: 11q21.
Variant type: single nucleotide variant.
Coding change: c.1082C>G on transcript NM_005591.4 (MANE Select); coding-DNA position 1082, C replaced by G.
Protein change: p.Pro361Arg; replaces proline 361 with arginine.
Molecular consequence: missense variant.
Genome position (GRCh38, 1-based): chr11:94,467,829, G>C on the plus strand (C>G on the coding strand, the complement: MRE11 is on the minus strand). VCF-style: chr11-94467829-G-C. GRCh37 (hg19) VCF-style: chr11-94200995-G-C.
Other names: c.1082C>G, p.Pro361Arg (NM_001330347.2, NM_005590.4); short protein forms P361R.
Identifiers: ClinVar variation 650111 (VCV000650111.8), dbSNP rs1591688182, ClinGen allele CA382373678.